The following is an entry in ClinVar:

NM_000155.4(GALT):c.450T>A (p.Val150=)

Gene: GALT (galactose-1-phosphate uridylyltransferase; plus strand). Cytogenetic location: 9p13.3.
Variant type: single nucleotide variant.
Coding change: c.450T>A on transcript NM_000155.4 (MANE Select); coding-DNA position 450, T replaced by A.
Protein change: p.Val150=; no amino-acid change (valine 150 retained).
Molecular consequence: synonymous variant.
Genome position (GRCh38, 1-based): chr9:34,647,904, T>A. VCF-style: chr9-34647904-T-A. GRCh37 (hg19) VCF-style: chr9-34647901-T-A.
Other names: NM_000155.4(GALT):c.450T>A; p.Val150=; c.123T>A, p.Val41= (NM_001258332.2).
Identifiers: ClinVar variation 366697 (VCV000366697.16), dbSNP rs886063884, ClinGen allele CA10633590.
Genomic context (GRCh38, chr9:34,647,904, plus strand): 5'-CTTCCACCCCTGGTCGGATGTAACGCTGCCACTCATGTCGGTCCCTGAGATCCGGGCTGT[T>A]GTTGATGCATGGGCCTCAGTCACAGAGGAGCTGGGTGCCCAGTACCCTTGGGTGCAGGTT-3'
Protein context (NP_000146.2, residues 140-160): PLMSVPEIRA[Val150=]VDAWASVTEE

ClinVar aggregate classification (germline): Likely benign. Review status: reviewed by expert panel (3 of 4 stars). 4 submissions from 4 submitters: Likely benign (1). 3 of the submissions do not count toward it. Last evaluated 2026-07-20.

Conditions:
Galactosemia. Also called: Galactose intolerance. Identifiers: Orphanet 352, MedGen C0016952, MONDO:0018116, HP:0004919. Disease mechanism: loss of function.
Deficiency of UDPglucose-hexose-1-phosphate uridylyltransferase. Also called: GALACTOSEMIA I; Transferase Deficiency Galactosemia; GALT deficiency; Galactosemia, classic; GALACTOSE-1-PHOSPHATE URIDYLYLTRANSFERASE DEFICIENCY. Identifiers: Orphanet 352, Orphanet 79239, MedGen C0268151, MONDO:0009258, OMIM 230400.

gnomAD v4.1: 1 of 1,614,180 alleles (0.000062%); no homozygotes.

Submissions (4):

Clingen Galactosemia Variant Curation Expert Panel, ClinGen
Classification: Likely benign for Galactosemia. Last evaluated: 2026-07-20. Review status: reviewed by expert panel. Criteria: ClinGen Galactosemia ACMG Specifications GALT V1.1. Collection method: curation. Allele origin: germline. Inheritance: Autosomal recessive inheritance.
Comment: The c.450T>A (p.Val150=) variant (NM_000155.4) is a synonymous (silent) variant that is not predicted by SpliceAI to impact splicing. In addition, it occurs at a nucleotide that is not predicted to be involved in splicing and the codon usage is not predicted to be significantly different (BP4, BP7). The filtering allele frequency (the upper threshold of the 95% CI of 1/62510) of the c.450T>A variant in GALT is 0.000016 for Remaining Individual chromosomes by gnomAD v4.1.1, which is lower than the ClinGen Galactosemia threshold (≤ 0.0005) for PM2_Supporting, and therefore meets this criterion (PM2_Supporting). To our knowledge, this variant is not reported in the clinical literature in an affected individual. The Galactosemia VCEP does not consider PM2_Supporting as conflicting data with BP4 and BP7. Therefore, this variant meets the criteria to be classified as likely benign for galactosemia based on the ACMG/AMP criteria applied, as specified by the ClinGen Galactosemia VCEP: PM2_Supporting, BP4, BP7 (GALT specifications v1.0.0).

Labcorp Genetics (formerly Invitae), Labcorp
Classification: Likely benign for Deficiency of UDPglucose-hexose-1-phosphate uridylyltransferase. Last evaluated: 2023-05-27. Review status: criteria provided, single submitter. Criteria: Invitae Variant Classification Sherloc (09022015). Collection method: clinical testing. Allele origin: germline. Not counted in ClinVar's aggregate classification.

Illumina Laboratory Services, Illumina
Classification: Uncertain significance for Deficiency of UDPglucose-hexose-1-phosphate uridylyltransferase. Last evaluated: 2018-01-13. Review status: criteria provided, single submitter. Criteria: ICSL Variant Classification Criteria 13 December 2019. Collection method: clinical testing. Allele origin: germline. Not counted in ClinVar's aggregate classification.

Counsyl
Classification: Likely benign for Deficiency of UDPglucose-hexose-1-phosphate uridylyltransferase. Last evaluated: 2017-07-25. Review status: no assertion criteria provided. Collection method: clinical testing. Allele origin: unknown. Not counted in ClinVar's aggregate classification.